The following is an entry in ClinVar:

NM_000130.5(F5):c.311A>G (p.Asn104Ser)

Gene: F5 (coagulation factor V; minus strand). Cytogenetic location: 1q24.2.
Variant type: single nucleotide variant.
Coding change: c.311A>G on transcript NM_000130.5 (MANE Select); coding-DNA position 311, A replaced by G.
Protein change: p.Asn104Ser; replaces asparagine 104 with serine.
Molecular consequence: missense variant.
Genome position (GRCh38, 1-based): chr1:169,572,283, T>C on the plus strand (A>G on the coding strand, the complement: F5 is on the minus strand). VCF-style: chr1-169572283-T-C. GRCh37 (hg19) VCF-style: chr1-169541521-T-C.
Other names: short protein forms N104S.
Identifiers: ClinVar variation 4705102 (VCV004705102.1).

ClinVar aggregate classification (germline): Uncertain significance (1 of 4 stars; one submission).

Conditions:
Congenital factor V deficiency. Also called: OWREN PARAHEMOPHILIA; PARAHEMOPHILIA; LABILE FACTOR DEFICIENCY; Hereditary factor V deficiency disease. Identifiers: Orphanet 326, MedGen C0015499, MONDO:0009210, OMIM 227400.

Submission:

Labcorp Genetics (formerly Invitae), Labcorp
Classification: Uncertain significance for Congenital factor V deficiency. Last evaluated: 2025-09-03. Review status: criteria provided, single submitter. Criteria: Invitae Variant Classification Sherloc (09022015). Collection method: clinical testing. Allele origin: germline.
Comment: This sequence change replaces asparagine, which is neutral and polar, with serine, which is neutral and polar, at codon 104 of the F5 protein (p.Asn104Ser). This variant is not present in population databases (gnomAD no frequency). This variant has not been reported in the literature in individuals affected with F5-related conditions. Invitae Evidence Modeling of protein sequence and biophysical properties (such as structural, functional, and spatial information, amino acid conservation, physicochemical variation, residue mobility, and thermodynamic stability) indicates that this missense variant is expected to disrupt F5 protein function with a positive predictive value of 80%. In summary, the available evidence is currently insufficient to determine the role of this variant in disease. Therefore, it has been classified as a Variant of Uncertain Significance.